The following is an entry in ClinVar:

NM_025137.4(SPG11):c.5720A>G (p.Asp1907Gly)

Gene: SPG11 (SPG11 vesicle trafficking associated, spatacsin; minus strand). Cytogenetic location: 15q21.1.
Variant type: single nucleotide variant.
Coding change: c.5720A>G on transcript NM_025137.4 (MANE Select); coding-DNA position 5720, A replaced by G.
Protein change: p.Asp1907Gly; replaces aspartic acid 1907 with glycine.
Molecular consequence: missense variant.
Genome position (GRCh38, 1-based): chr15:44,583,960, T>C on the plus strand (A>G on the coding strand, the complement: SPG11 is on the minus strand). VCF-style: chr15-44583960-T-C. GRCh37 (hg19) VCF-style: chr15-44876158-T-C.
Other names: c.5720A>G, p.Asp1907Gly (NM_001160227.2); short protein forms D1907G.
Identifiers: ClinVar variation 650134 (VCV000650134.9), dbSNP rs1158214037, ClinGen allele CA392221591.

ClinVar aggregate classification (germline): Uncertain significance (1 of 4 stars; one submission).

Conditions:
Hereditary spastic paraplegia 11. Also called: Spastic Paraplegia 11; SPASTIC PARAPLEGIA, AUTOSOMAL RECESSIVE, COMPLICATED, WITH THIN CORPUS CALLOSUM; SPASTIC PARAPLEGIA, AUTOSOMAL RECESSIVE, WITH MENTAL IMPAIRMENT AND THIN CORPUS CALLOSUM; Spastic paraplegia, mental retardation and thin corpus callosum; Nakamura Osame syndrome; Autosomal recessive hereditary spastic paraplegia, mental impairment, and thin corpus callosum. Identifiers: Orphanet 2822, MedGen C1858479, MONDO:0011445, OMIM 604360.

Allele frequency attached by ClinVar (database versions not stated): gnomAD exomes below 0.00001; TOPMed below 0.00001; gnomAD 0.00001.
gnomAD v4.1: 8 of 1,614,056 alleles (0.0005%); highest among the groups gnomAD compares: Non-Finnish European, 0.00068%; no homozygotes.

Submission:

Labcorp Genetics (formerly Invitae), Labcorp
Classification: Uncertain significance for Hereditary spastic paraplegia 11. Last evaluated: 2022-01-03. Review status: criteria provided, single submitter. Criteria: Invitae Variant Classification Sherloc (09022015). Collection method: clinical testing. Allele origin: germline.
Comment: This sequence change replaces aspartic acid, which is acidic and polar, with glycine, which is neutral and non-polar, at codon 1907 of the SPG11 protein (p.Asp1907Gly). This variant is not present in population databases (gnomAD no frequency). This variant has not been reported in the literature in individuals affected with SPG11-related conditions. ClinVar contains an entry for this variant (Variation ID: 650134). Algorithms developed to predict the effect of missense changes on protein structure and function (SIFT, PolyPhen-2, Align-GVGD) all suggest that this variant is likely to be disruptive. Algorithms developed to predict the effect of sequence changes on RNA splicing suggest that this variant may create or strengthen a splice site. In summary, the available evidence is currently insufficient to determine the role of this variant in disease. Therefore, it has been classified as a Variant of Uncertain Significance.